The following is an entry in ClinVar:

ClinVar aggregate classification (germline): Likely benign (1 of 4 stars; one submission).

Conditions:
TTC21B-related disorder. Also called: TTC21B-related disorders; TTC21B-related condition.

Submission:

PreventionGenetics, part of Exact Sciences
Classification: Likely benign for TTC21B-related condition. Last evaluated: 2025-03-19. Review status: criteria provided, single submitter. Criteria: ACMG Guidelines, 2015. Collection method: clinical testing. Allele origin: germline.
Comment: This variant is classified as likely benign based on ACMG/AMP sequence variant interpretation guidelines (Richards et al. 2015 PMID: 25741868, with internal and published modifications).

NM_024753.5(TTC21B):c.396C>T (p.Asp132=)

Genes: TTC21B (tetratricopeptide repeat domain 21B; minus strand), TTC21B-AS1 (TTC21B antisense RNA 1; plus strand). Cytogenetic location: 2q24.3.
Variant type: single nucleotide variant.
Coding change: c.396C>T on transcript NM_024753.5 (MANE Select); coding-DNA position 396, C replaced by T.
Protein change: p.Asp132=; no amino-acid change (aspartic acid 132 retained).
Molecular consequence: synonymous variant.
Genome position (GRCh38, 1-based): chr2:165,945,557, G>A on the plus strand (C>T on the coding strand, the complement: TTC21B is on the minus strand). VCF-style: chr2-165945557-G-A. GRCh37 (hg19) VCF-style: chr2-166802067-G-A.
Identifiers: ClinVar variation 5000413 (VCV005000413.1).